The following is an entry in ClinVar:

NM_000064.4(C3):c.2617T>C (p.Cys873Arg)

Gene: C3 (complement C3; minus strand). Cytogenetic location: 19p13.3.
Variant type: single nucleotide variant.
Coding change: c.2617T>C on transcript NM_000064.4 (MANE Select); coding-DNA position 2617, T replaced by C.
Protein change: p.Cys873Arg; replaces cysteine 873 with arginine.
Molecular consequence: missense variant.
Genome position (GRCh38, 1-based): chr19:6,697,523, A>G on the plus strand (T>C on the coding strand, the complement: C3 is on the minus strand). VCF-style: chr19-6697523-A-G. GRCh37 (hg19) VCF-style: chr19-6697534-A-G.
Other names: short protein forms C873R.
Identifiers: ClinVar variation 894778 (VCV000894778.5), dbSNP rs1967565177, ClinGen allele CA403633409.

ClinVar aggregate classification (germline): Uncertain significance. Review status: criteria provided, multiple submitters, no conflicts (2 of 4 stars). 4 submissions from 2 submitters: Uncertain significance (4). Last evaluated 2025-09-30.

Conditions:
Complement component 3 deficiency. Identifiers: Orphanet 280133, MedGen C3151071, MONDO:0013417, OMIM 613779.
Age related macular degeneration 9. Identifiers: MedGen C1969651, MONDO:0012659, OMIM 611378.
Atypical hemolytic-uremic syndrome with C3 anomaly. Also called: AHUS, SUSCEPTIBILITY TO, 5. Identifiers: Orphanet 2134, MedGen C2752037, MONDO:0013043, OMIM 612925.
Atypical hemolytic-uremic syndrome. Identifiers: Orphanet 2134, MedGen C2931788, MONDO:0016244.
C3 glomerulonephritis. Also called: Nephropathy due to CFHR5 Deficiency; C3 GLOMERULOPATHY 3. Identifiers: Orphanet 329931, MedGen C4055342, MONDO:0013892, OMIM 614809.

Submissions (4):

Genomenon, Inc
Classification: Uncertain significance for Complement component 3 deficiency; C3 glomerulonephritis; Atypical hemolytic-uremic syndrome. Last evaluated: 2025-09-30. Review status: criteria provided, single submitter. Criteria: Genomenon Sequence Variant Interpretation Standards. Collection method: curation. Allele origin: germline. Affected: no.
Comment: C3 p.Cys873Arg (c.2617T>C) is a missense variant that changes the amino acid at residue 873 from Cysteine to Arginine. This variant has been reported in the published literature (PMID:37367079). It is absent or not present at a significant frequency in gnomAD. In conclusion, we classify C3 p.Cys873Arg (c.2617T>C) as a variant of unknown significance.

Illumina Laboratory Services, Illumina
Classification: Uncertain significance for Complement component 3 deficiency. Last evaluated: 2018-01-13. Review status: criteria provided, single submitter. Criteria: ICSL Variant Classification Criteria 13 December 2019. Collection method: clinical testing. Allele origin: germline.

Illumina Laboratory Services, Illumina
Classification: Uncertain significance for Atypical hemolytic-uremic syndrome with C3 anomaly. Last evaluated: 2018-01-13. Review status: criteria provided, single submitter. Criteria: ICSL Variant Classification Criteria 13 December 2019. Collection method: clinical testing. Allele origin: germline.

Illumina Laboratory Services, Illumina
Classification: Uncertain significance for Age related macular degeneration 9. Last evaluated: 2018-01-13. Review status: criteria provided, single submitter. Criteria: ICSL Variant Classification Criteria 13 December 2019. Collection method: clinical testing. Allele origin: germline.

Literature cited by the submitters: PubMed 37367079 (cited by Genomenon, Inc).